The following is an entry in ClinVar:

ClinVar aggregate classification (germline): Uncertain significance (1 of 4 stars; one submission).

Conditions:
Carnitine palmitoyl transferase 1A deficiency. Also called: Carnitine palmitoyltransferase 1A deficiency; CPT deficiency, hepatic, type IA; Carnitine palmitoyltransferase type I deficiency; CPT I DEFICIENCY; CPT DEFICIENCY, HEPATIC, TYPE I. Identifiers: Orphanet 156, MedGen C1829703, MONDO:0009705, OMIM 255120.

Submission:

Labcorp Genetics (formerly Invitae), Labcorp
Classification: Uncertain significance for Carnitine palmitoyl transferase 1A deficiency. Last evaluated: 2019-11-11. Review status: criteria provided, single submitter. Criteria: Invitae Variant Classification Sherloc (09022015). Collection method: clinical testing. Allele origin: germline.
Comment: This variant results in a copy number gain of the genomic region encompassing exon 2 of the CPT1A gene, which includes the initiator codon. The 5' end of this event is unknown as it extends beyond the assayed region for this gene and therefore may encompass additional genes. The 3' boundary is likely confined to intron 2 of the CPT1A gene. As the precise location of this event is unknown, it may be in tandem or it may be located elsewhere in the genome. This variant has not been reported in the literature in individuals with CPT1A-related conditions. Experimental studies and prediction algorithms are not available or were not evaluated, and the functional significance of this variant is currently unknown. In summary, the available evidence is currently insufficient to determine the role of this variant in disease. Therefore, it has been classified as a Variant of Uncertain Significance.

NC_000011.9:g.(?_68582782)_(68582962_?)dup

Gene: CPT1A (carnitine palmitoyltransferase 1A; minus strand). Cytogenetic location: 11q13.3.
Variant type: Duplication.
Identifiers: ClinVar variation 2424295 (VCV002424295.2).